The following is an entry in ClinVar:

ClinVar aggregate classification (germline): Uncertain significance (1 of 4 stars; one submission).

Conditions:
Hereditary spastic paraplegia 57. Also called: Spastic paraplegia 57, autosomal recessive. Identifiers: Orphanet 431329, MedGen C3714897, MONDO:0014295, OMIM 615658.
Hereditary motor and sensory neuropathy, Okinawa type (HMSNO). Also called: HEREDITARY MOTOR AND SENSORY NEUROPATHY, PROXIMAL TYPE. Identifiers: Orphanet 90117, MedGen C1858338, MONDO:0011468, OMIM 604484.

Submission:

Labcorp Genetics (formerly Invitae), Labcorp
Classification: Uncertain significance for Hereditary motor and sensory neuropathy, Okinawa type; Hereditary spastic paraplegia 57. Last evaluated: 2022-12-06. Review status: criteria provided, single submitter. Criteria: Invitae Variant Classification Sherloc (09022015). Collection method: clinical testing. Allele origin: germline.
Comment: In summary, the available evidence is currently insufficient to determine the role of this variant in disease. Therefore, it has been classified as a Variant of Uncertain Significance. Advanced modeling of protein sequence and biophysical properties (such as structural, functional, and spatial information, amino acid conservation, physicochemical variation, residue mobility, and thermodynamic stability) performed at Invitae indicates that this missense variant is not expected to disrupt TFG protein function. This variant has not been reported in the literature in individuals affected with TFG-related conditions. This variant is not present in population databases (gnomAD no frequency). This sequence change replaces glutamine, which is neutral and polar, with lysine, which is basic and polar, at codon 256 of the TFG protein (p.Gln256Lys).

NM_006070.6(TFG):c.766C>A (p.Gln256Lys)

Gene: TFG (trafficking from ER to golgi regulator; plus strand). Cytogenetic location: 3q12.2.
Variant type: single nucleotide variant.
Coding change: c.766C>A on transcript NM_006070.6 (MANE Select); coding-DNA position 766, C replaced by A.
Protein change: p.Gln256Lys; replaces glutamine 256 with lysine.
Molecular consequence: missense variant.
Genome position (GRCh38, 1-based): chr3:100,744,877, C>A. VCF-style: chr3-100744877-C-A. GRCh37 (hg19) VCF-style: chr3-100463721-C-A.
Other names: c.766C>A, p.Gln256Lys (NM_001007565.2, NM_001195478.2); c.754C>A, p.Gln252Lys (NM_001195479.2); short protein forms Q256K, Q252K.
Identifiers: ClinVar variation 2133448 (VCV002133448.4), dbSNP rs2472138400, ClinGen allele CA353850165.
Genomic context (GRCh38, chr3:100,744,877, plus strand): 5'-GTGTGTGTGTTTTCAGGTCAGATGTACCAACAGTACCAGCAACAGGCCGGCTATGGTGCA[C>A]AGCAGCCGCAGGCTCCACCTCAGCAGCCTCAACAGTATGGTATTCAGTATTCAGGTGAGC-3'
Protein context (NP_006061.2, residues 246-266): QYQQQAGYGA[Gln256Lys]QPQAPPQQPQ